The following is an entry in ClinVar:

ClinVar aggregate classification (germline): Likely benign. Review status: criteria provided, multiple submitters, no conflicts (2 of 4 stars). 2 submissions from 2 submitters: Likely benign (2). Last evaluated 2025-12-05.

Allele frequency attached by ClinVar (database versions not stated): ExAC 0.00003; gnomAD 0.00003 and 0.00004; gnomAD exomes 0.00003 and 0.00007; TOPMed 0.00007.
gnomAD v4.1: 26 of 1,614,108 alleles (0.0016%); highest among the groups gnomAD compares: Admixed American, 0.04%; no homozygotes.

Submissions (2):

Labcorp Genetics (formerly Invitae), Labcorp
Classification: Likely benign. Last evaluated: 2025-12-05. Review status: criteria provided, single submitter. Criteria: Invitae Variant Classification Sherloc (09022015). Collection method: clinical testing. Allele origin: germline.

CeGaT Center for Human Genetics Tuebingen
Classification: Likely benign. Last evaluated: 2025-03-01. Review status: criteria provided, single submitter. Criteria: CeGaT Center For Human Genetics Tuebingen Variant Classification Criteria Version 2. Collection method: clinical testing. Allele origin: germline. Affected: yes. Observed: 1 variant allele.
Comment: MCM3AP: BP4, BP7

NM_003906.5(MCM3AP):c.985C>T (p.Leu329=)

Gene: MCM3AP (minichromosome maintenance complex component 3 associated protein; minus strand). Cytogenetic location: 21q22.3.
Variant type: single nucleotide variant.
Coding change: c.985C>T on transcript NM_003906.5 (MANE Select); coding-DNA position 985, C replaced by T.
Protein change: p.Leu329=; no amino-acid change (leucine 329 retained).
Molecular consequence: synonymous variant.
Genome position (GRCh38, 1-based): chr21:46,284,302, G>A on the plus strand (C>T on the coding strand, the complement: MCM3AP is on the minus strand). VCF-style: chr21-46284302-G-A. GRCh37 (hg19) VCF-style: chr21-47704216-G-A.
Identifiers: ClinVar variation 749882 (VCV000749882.15), dbSNP rs781096646, ClinGen allele CA10077218.